The following is an entry in ClinVar:

NM_001184.4(ATR):c.4703A>T (p.Asp1568Val)

Gene: ATR (ATR checkpoint kinase; minus strand). Cytogenetic location: 3q23.
Variant type: single nucleotide variant.
Coding change: c.4703A>T on transcript NM_001184.4 (MANE Select); coding-DNA position 4703, A replaced by T.
Protein change: p.Asp1568Val; replaces aspartic acid 1568 with valine.
Molecular consequence: missense variant.
Genome position (GRCh38, 1-based): chr3:142,512,409, T>A on the plus strand (A>T on the coding strand, the complement: ATR is on the minus strand). VCF-style: chr3-142512409-T-A. GRCh37 (hg19) VCF-style: chr3-142231251-T-A.
Other names: c.4511A>T, p.Asp1504Val (NM_001354579.2); short protein forms D1504V, D1568V.
Identifiers: ClinVar variation 863693 (VCV000863693.14), dbSNP rs929755679, ClinGen allele CA354795610.

ClinVar aggregate classification (germline): Uncertain significance. Review status: criteria provided, multiple submitters, no conflicts (2 of 4 stars). 4 submissions from 3 submitters: Uncertain significance (4). Last evaluated 2023-02-08.

Conditions:
Familial cutaneous telangiectasia and oropharyngeal predisposition cancer syndrome. Identifiers: Orphanet 313846, MedGen C3281203, MONDO:0013806, OMIM 614564.
Seckel syndrome 1 (SCKL1). Also called: MICROCEPHALIC PRIMORDIAL DWARFISM I. Identifiers: Orphanet 808, MedGen C4551474, MONDO:0008869, OMIM 210600.
Inborn genetic diseases. Identifiers: MedGen C0950123, MeSH D030342.

Submissions (4):

Genome-Nilou Lab
Classification: Uncertain significance for Seckel syndrome 1. Last evaluated: 2023-02-08. Review status: criteria provided, single submitter. Criteria: ACMG Guidelines, 2015. Collection method: clinical testing. Allele origin: germline.

Genome-Nilou Lab
Classification: Uncertain significance for Familial cutaneous telangiectasia and oropharyngeal predisposition cancer syndrome. Last evaluated: 2023-02-08. Review status: criteria provided, single submitter. Criteria: ACMG Guidelines, 2015. Collection method: clinical testing. Allele origin: germline.

Ambry Genetics
Classification: Uncertain significance for Inborn genetic diseases. Last evaluated: 2021-08-05. Review status: criteria provided, single submitter. Criteria: Ambry Variant Classification Scheme 2023. Collection method: clinical testing. Allele origin: germline.
Comment: The p.D1568V variant (also known as c.4703A>T), located in coding exon 27 of the ATR gene, results from an A to T substitution at nucleotide position 4703. The aspartic acid at codon 1568 is replaced by valine, an amino acid with highly dissimilar properties. This amino acid position is conserved. In addition, this alteration is predicted to be tolerated by in silico analysis. Since supporting evidence is limited at this time, the clinical significance of this alteration remains unclear.

Labcorp Genetics (formerly Invitae), Labcorp
Classification: Uncertain significance. Last evaluated: 2019-12-15. Review status: criteria provided, single submitter. Criteria: Invitae Variant Classification Sherloc (09022015). Collection method: clinical testing. Allele origin: germline.
Comment: This variant is not present in population databases (ExAC no frequency). This variant has not been reported in the literature in individuals with ATR-related conditions. Algorithms developed to predict the effect of missense changes on protein structure and function (SIFT, PolyPhen-2, Align-GVGD) all suggest that this variant is likely to be tolerated, but these predictions have not been confirmed by published functional studies and their clinical significance is uncertain. In summary, the available evidence is currently insufficient to determine the role of this variant in disease. Therefore, it has been classified as a Variant of Uncertain Significance. This sequence change replaces aspartic acid with valine at codon 1568 of the ATR protein (p.Asp1568Val). The aspartic acid residue is moderately conserved and there is a large physicochemical difference between aspartic acid and valine.